The following is an entry in ClinVar:

ClinVar aggregate classification (germline): Likely benign (0 of 4 stars; one submission).

Conditions:
KMT2D-related disorder. Also called: KMT2D-Related Disorders.

Submission:

PreventionGenetics, part of Exact Sciences
Classification: Likely benign for KMT2D-related condition. Last evaluated: 2024-09-13. Review status: no assertion criteria provided. Collection method: clinical testing. Allele origin: germline.
Comment: This variant is classified as likely benign based on ACMG/AMP sequence variant interpretation guidelines (Richards et al. 2015 PMID: 25741868, with internal and published modifications).

NM_003482.4(KMT2D):c.5084-3dup

Gene: KMT2D (lysine methyltransferase 2D; minus strand). Cytogenetic location: 12q13.12.
Variant type: Duplication.
Coding change: c.5084-3dup on transcript NM_003482.4 (MANE Select); 3 bases into the intron before coding-DNA position 5084, one base duplicated (T; older notation c.5084-3dupT).
Molecular consequence: intron variant.
Genome position (GRCh38, 1-based): chr12:49,044,307, A duplicated on the plus strand (T on the coding strand, the reverse complement: KMT2D is on the minus strand). VCF-style (leftmost placement, unchanged base first): chr12-49044306-T-TA. GRCh37 (hg19) VCF-style: chr12-49438089-T-TA.
Identifiers: ClinVar variation 3344668 (VCV003344668.1).